The following is an entry in ClinVar:

NM_005431.2(XRCC2):c.834_843del (p.Glu278fs)

Gene: XRCC2 (X-ray repair cross complementing 2; minus strand). Cytogenetic location: 7q36.1.
Variant type: Deletion.
Coding change: c.834_843del on transcript NM_005431.2 (MANE Select); coding-DNA positions 834 to 843, 10 bases deleted (ATTTTGTTGA; older notation c.834_843delATTTTGTTGA).
Protein change: p.Glu278fs; shifts the reading frame from glutamic acid 278.
Molecular consequence: frameshift variant.
Genome position (GRCh38, 1-based): chr7:152,648,642-152,648,651, TCAACAAAAT deleted on the plus strand (ATTTTGTTGA on the coding strand, the reverse complement: XRCC2 is on the minus strand); deleting any 10 consecutive bases within chr7:152,648,642-152,648,656 gives the same sequence; the c. name uses the placement nearest the transcript's 3' end. VCF-style (leftmost placement, unchanged base first): chr7-152648641-ATCAACAAAAT-A. GRCh37 (hg19) VCF-style: chr7-152345726-ATCAACAAAAT-A.
Other names: c.834_843del10 (NM_005431.1); c.834_843del (NM_005431.1); short protein forms E278fs.
Identifiers: ClinVar variation 1762998 (VCV001762998.7), dbSNP rs2485880095, ClinGen allele CA2580077731.

ClinVar aggregate classification (germline): Uncertain significance. Review status: criteria provided, multiple submitters, no conflicts (2 of 4 stars). 3 submissions from 3 submitters: Uncertain significance (3). Last evaluated 2025-05-08.

Conditions:
Hereditary cancer-predisposing syndrome. Also called: Neoplastic Syndromes, Hereditary; Tumor predisposition; Hereditary Cancer Syndrome; Hereditary neoplastic syndrome. Identifiers: Orphanet 140162, MedGen C0027672, MeSH D009386, MONDO:0015356.

Submissions (3):

Quest Diagnostics Nichols Institute San Juan Capistrano
Classification: Uncertain significance. Last evaluated: 2025-05-08. Review status: criteria provided, single submitter. Criteria: Quest Diagnostics criteria. Collection method: clinical testing. Allele origin: unknown.
Comment: The XRCC2 c.834_843del (p.Glu278Aspfs*16) variant has not been reported in individuals with XRCC2-related conditions in the published literature. This variant alters the translational reading frame of the XRCC2 mRNA and is expected to extend the open reading frame. It is therefore not expected to cause loss of protein expression through nonsense mediated decay. However, it is unclear if protein function will be affected. It also has not been reported in large, multi-ethnic general populations (Genome Aggregation Database). Based on the available information, we are unable to determine the clinical significance of this variant.

Ambry Genetics
Classification: Uncertain significance for Hereditary cancer-predisposing syndrome. Last evaluated: 2023-06-12. Review status: criteria provided, single submitter. Criteria: Ambry Variant Classification Scheme 2023. Collection method: clinical testing. Allele origin: germline.
Comment: The c.834_843del10 variant, located in coding exon 3 of the XRCC2 gene, results from a deletion of 10 nucleotides at nucleotide positions 834 to 843, causing a translational frameshift with a predicted alternate stop codon (p.E278Dfs*16). This alteration occurs at the 3' terminus of theXRCC2 gene, is not expected to trigger nonsense-mediated mRNAdecay and results in the elongation of the protein by 12 amino acids. This frameshift impacts the last 3amino acids of the native protein. The exact functional effect of the altered amino acids is unknown. This variant is considered to be rare based on population cohorts in the Genome Aggregation Database (gnomAD). Since supporting evidence is limited at this time, the clinical significance of this alteration remains unclear.

Labcorp Genetics (formerly Invitae), Labcorp
Classification: Uncertain significance. Last evaluated: 2023-01-13. Review status: criteria provided, single submitter. Criteria: Invitae Variant Classification Sherloc (09022015). Collection method: clinical testing. Allele origin: germline.
Comment: ClinVar contains an entry for this variant (Variation ID: 1762998). This variant has not been reported in the literature in individuals affected with XRCC2-related conditions. This variant is not present in population databases (gnomAD no frequency). This sequence change results in a frameshift in the XRCC2 gene (p.Glu278Aspfs*16). While this is not anticipated to result in nonsense mediated decay, it is expected to disrupt the last 3 amino acid(s) of the XRCC2 protein and extend the protein by 12 additional amino acid residues. In summary, the available evidence is currently insufficient to determine the role of this variant in disease. Therefore, it has been classified as a Variant of Uncertain Significance. Experimental studies and prediction algorithms are not available or were not evaluated, and the functional significance of this variant is currently unknown.